The following is an entry in ClinVar:

ClinVar aggregate classification (germline): Uncertain significance. Review status: criteria provided, multiple submitters, no conflicts (2 of 4 stars). 2 submissions from 2 submitters: Uncertain significance (2). Last evaluated 2025-05-06.

gnomAD v4.1: 17 of 1,613,972 alleles (0.0011%); highest among the groups gnomAD compares: Non-Finnish European, 0.0014%; no homozygotes.

Submissions (2):

Labcorp Genetics (formerly Invitae), Labcorp
Classification: Uncertain significance. Last evaluated: 2025-05-06. Review status: criteria provided, single submitter. Criteria: Invitae Variant Classification Sherloc (09022015). Collection method: clinical testing. Allele origin: germline.
Comment: This sequence change replaces arginine, which is basic and polar, with tryptophan, which is neutral and slightly polar, at codon 192 of the GRM6 protein (p.Arg192Trp). This variant is present in population databases (rs149890205, gnomAD 0.002%). This variant has not been reported in the literature in individuals affected with GRM6-related conditions. Invitae Evidence Modeling of protein sequence and biophysical properties (such as structural, functional, and spatial information, amino acid conservation, physicochemical variation, residue mobility, and thermodynamic stability) indicates that this missense variant is expected to disrupt GRM6 protein function with a positive predictive value of 95%. In summary, the available evidence is currently insufficient to determine the role of this variant in disease. Therefore, it has been classified as a Variant of Uncertain Significance.

Blueprint Genetics
Classification: Uncertain significance. Last evaluated: 2018-11-08. Review status: criteria provided, single submitter. Criteria: ACMG Guidelines, 2015. Collection method: clinical testing. Allele origin: germline.

NM_000843.4(GRM6):c.574C>T (p.Arg192Trp)

Gene: GRM6 (glutamate metabotropic receptor 6; minus strand). Cytogenetic location: 5q35.3.
Variant type: single nucleotide variant.
Coding change: c.574C>T on transcript NM_000843.4 (MANE Select); coding-DNA position 574, C replaced by T.
Protein change: p.Arg192Trp; replaces arginine 192 with tryptophan.
Molecular consequence: missense variant.
Genome position (GRCh38, 1-based): chr5:178,992,014, G>A on the plus strand (C>T on the coding strand, the complement: GRM6 is on the minus strand). VCF-style: chr5-178992014-G-A. GRCh37 (hg19) VCF-style: chr5-178419015-G-A.
Other names: short protein forms R192W.
Identifiers: ClinVar variation 4810352 (VCV004810352.2).